The following is an entry in ClinVar:

NM_018418.5(SPATA7):c.1293dup (p.Asp432Ter)

Gene: SPATA7 (spermatogenesis associated 7; plus strand). Cytogenetic location: 14q31.3.
Variant type: Duplication.
Coding change: c.1293dup on transcript NM_018418.5 (MANE Select); coding-DNA position 1293, one base duplicated (T; older notation c.1293dupT).
Protein change: p.Asp432Ter; replaces aspartic acid 432 with a stop codon.
Molecular consequence: nonsense.
Genome position (GRCh38, 1-based): chr14:88,437,915, T duplicated. VCF-style (leftmost placement, unchanged base first): chr14-88437914-A-AT. GRCh37 (hg19) VCF-style: chr14-88904258-A-AT.
Other names: c.1197dup, p.Asp400Ter (NM_001040428.4); short protein forms D400*, D432*.
Identifiers: ClinVar variation 1696357 (VCV001696357.1), dbSNP rs2077134911, ClinGen allele CA965706082.
Genomic context (GRCh38, chr14:88,437,914, plus strand): 5'-TGCTGCATGTCCTGAAAGTAGACTTAGGCTGCACATCGGAGGAAAACTCGGTAAAGCAAA[A>AT]TGATGTTGATATGTTGAATGTATTTGATTTTGAAAAGGCTGGGAATTCAGAACCAAATGA-3'

ClinVar aggregate classification (germline): Likely pathogenic (1 of 4 stars; one submission).

Conditions:
Leber congenital amaurosis (LCA). Also called: Leber's amaurosis. Identifiers: Orphanet 65, MedGen C0339527, MeSH D057130, MONDO:0018998.

Allele frequency attached by ClinVar (database versions not stated): gnomAD 0.00001; TOPMed below 0.00001.

Submission:

Women's Health and Genetics/Laboratory Corporation of America, LabCorp
Classification: Likely pathogenic for Leber congenital amaurosis. Last evaluated: 2022-05-13. Review status: criteria provided, single submitter. Criteria: LabCorp Variant Classification Summary - May 2015. Collection method: clinical testing. Allele origin: germline.
Comment: Variant summary: SPATA7 c.1293dupT (p.Asp432X) located in the last exon results in a premature termination codon, predicted to cause a truncation of the encoded protein or absence of the protein due to nonsense mediated decay, which are commonly known mechanisms for disease. Truncations downstream of this position have not been observed at our laboratory but have been reported in association with Leber Congenital Amaurosis and related phenotypes in the HGMD database. The variant was absent in 250522 control chromosomes. To our knowledge, no occurrence of c.1293dupT in individuals affected with Leber Congenital Amaurosis and no experimental evidence demonstrating its impact on protein function have been reported. No clinical diagnostic laboratories have submitted clinical-significance assessments for this variant to ClinVar after 2014. Based on the evidence outlined above, the variant was classified as likely pathogenic.